The following is an entry in ClinVar:

NM_006208.3(ENPP1):c.898T>A (p.Trp300Arg)

Gene: ENPP1 (ectonucleotide pyrophosphatase/phosphodiesterase 1; plus strand). Cytogenetic location: 6q23.2.
Variant type: single nucleotide variant.
Coding change: c.898T>A on transcript NM_006208.3 (MANE Select); coding-DNA position 898, T replaced by A.
Protein change: p.Trp300Arg; replaces tryptophan 300 with arginine.
Molecular consequence: missense variant.
Genome position (GRCh38, 1-based): chr6:131,860,489, T>A. VCF-style: chr6-131860489-T-A. GRCh37 (hg19) VCF-style: chr6-132181629-T-A.
Other names: c.898T>A (NM_006208.2); short protein forms W300R.
Identifiers: ClinVar variation 1721134 (VCV001721134.6), dbSNP rs780431843, ClinGen allele CA4002031.
Genomic context (GRCh38, chr6:131,860,489, plus strand): 5'-TATGATCCCAAAATGAATGCTTCCTTTTCACTTAAAAGTAAAGAGAAATTTAATCCTGAG[T>A]GGTACAAAGGAGAACCAGTGAGTTCTTTGTTTTTCTACTAAAATAGTTAATTATTCTCAT-3'
Protein context (NP_006199.2, residues 290-310): LKSKEKFNPE[Trp300Arg]YKGEPIWVTA

ClinVar aggregate classification (germline): Uncertain significance. Review status: criteria provided, multiple submitters, no conflicts (2 of 4 stars). 2 submissions from 2 submitters: Uncertain significance (2). Last evaluated 2023-07-18.

Conditions:
ENPP1-related disorder. Also called: ENPP1-related disorders; ENPP1-related condition.

Allele frequency attached by ClinVar (database versions not stated): gnomAD exomes below 0.00001; ExAC 0.00001.
gnomAD v4.1: 4 of 1,597,598 alleles (0.00025%); highest among the groups gnomAD compares: Non-Finnish European, 0.00017%; no homozygotes.

Submissions (2):

PreventionGenetics, part of Exact Sciences
Classification: Uncertain significance for ENPP1-related condition. Last evaluated: 2023-07-18. Review status: criteria provided, single submitter. Criteria: ACMG Guidelines, 2015. Collection method: clinical testing. Allele origin: germline.
Comment: The ENPP1 c.898T>A variant is predicted to result in the amino acid substitution p.Trp300Arg. To our knowledge, this variant has not been reported in the literature. This variant is reported in 1 of ~250,000 alleles in gnomAD. At this time, the clinical significance of this variant is uncertain due to the absence of conclusive functional and genetic evidence.

Labcorp Genetics (formerly Invitae), Labcorp
Classification: Uncertain significance. Last evaluated: 2022-10-07. Review status: criteria provided, single submitter. Criteria: Invitae Variant Classification Sherloc (09022015). Collection method: clinical testing. Allele origin: germline.
Comment: This variant has not been reported in the literature in individuals affected with ENPP1-related conditions. Advanced modeling of protein sequence and biophysical properties (such as structural, functional, and spatial information, amino acid conservation, physicochemical variation, residue mobility, and thermodynamic stability) performed at Invitae indicates that this missense variant is expected to disrupt ENPP1 protein function. In summary, the available evidence is currently insufficient to determine the role of this variant in disease. Therefore, it has been classified as a Variant of Uncertain Significance. This sequence change replaces tryptophan, which is neutral and slightly polar, with arginine, which is basic and polar, at codon 300 of the ENPP1 protein (p.Trp300Arg). The frequency data for this variant in the population databases is considered unreliable, as metrics indicate poor data quality at this position in the gnomAD database.